The following is an entry in ClinVar:

ClinVar aggregate classification (germline): Uncertain significance. Review status: criteria provided, multiple submitters, no conflicts (2 of 4 stars). 3 submissions from 3 submitters: Uncertain significance (3). Last evaluated 2024-10-29.

Conditions:
Microcephaly, normal intelligence and immunodeficiency (NBS). Also called: Immunodeficiency, microcephaly with normal intelligence; Ataxia telangiectasia variant V1; IMMUNODEFICIENCY, MICROCEPHALY, AND CHROMOSOMAL INSTABILITY; BERLIN BREAKAGE SYNDROME; SEEMANOVA SYNDROME II; Nijmegen breakage syndrome. Identifiers: Orphanet 647, MedGen C0398791, MONDO:0009623, OMIM 251260.
Hereditary cancer-predisposing syndrome. Also called: Neoplastic Syndromes, Hereditary; Hereditary neoplastic syndrome; Tumor predisposition; Hereditary Cancer Syndrome. Identifiers: Orphanet 140162, MedGen C0027672, MeSH D009386, MONDO:0015356.

Submissions (3):

Labcorp Genetics (formerly Invitae), Labcorp
Classification: Uncertain significance for Microcephaly, normal intelligence and immunodeficiency. Last evaluated: 2024-10-29. Review status: criteria provided, single submitter. Criteria: Invitae Variant Classification Sherloc (09022015). Collection method: clinical testing. Allele origin: germline.
Comment: This sequence change replaces alanine, which is neutral and non-polar, with valine, which is neutral and non-polar, at codon 50 of the NBN protein (p.Ala50Val). This variant is not present in population databases (gnomAD no frequency). This variant has not been reported in the literature in individuals affected with NBN-related conditions. ClinVar contains an entry for this variant (Variation ID: 530745). An algorithm developed to predict the effect of missense changes on protein structure and function outputs the following: PolyPhen-2: "Benign". The valine amino acid residue is found in multiple mammalian species, which suggests that this missense change does not adversely affect protein function. In summary, the available evidence is currently insufficient to determine the role of this variant in disease. Therefore, it has been classified as a Variant of Uncertain Significance.

Ambry Genetics
Classification: Uncertain significance for Hereditary cancer-predisposing syndrome. Last evaluated: 2023-04-14. Review status: criteria provided, single submitter. Criteria: Ambry Variant Classification Scheme 2023. Collection method: clinical testing. Allele origin: germline.
Comment: The p.A50V variant (also known as c.149C>T), located in coding exon 2 of the NBN gene, results from a C to T substitution at nucleotide position 149. The alanine at codon 50 is replaced by valine, an amino acid with similar properties. This amino acid position is not well conserved in available vertebrate species, and valine is the reference amino acid in other vertebrate species. In addition, this alteration is predicted to be tolerated by in silico analysis. Since supporting evidence is limited at this time, the clinical significance of this alteration remains unclear.

Genome-Nilou Lab
Classification: Uncertain significance for Microcephaly, normal intelligence and immunodeficiency. Last evaluated: 2021-11-07. Review status: criteria provided, single submitter. Criteria: ACMG Guidelines, 2015. Collection method: clinical testing. Allele origin: germline. Affected: no.

NM_002485.5(NBN):c.149C>T (p.Ala50Val)

Gene: NBN (nibrin; minus strand). Cytogenetic location: 8q21.3.
Variant type: single nucleotide variant.
Coding change: c.149C>T on transcript NM_002485.5 (MANE Select); coding-DNA position 149, C replaced by T.
Protein change: p.Ala50Val; replaces alanine 50 with valine.
Molecular consequence: missense variant. On other transcripts: 5 prime UTR variant (1).
Genome position (GRCh38, 1-based): chr8:89,982,744, G>A on the plus strand (C>T on the coding strand, the complement: NBN is on the minus strand). VCF-style: chr8-89982744-G-A. GRCh37 (hg19) VCF-style: chr8-90994972-G-A.
Other names: c.-148C>T (NM_001024688.3); short protein forms A50V.
Identifiers: ClinVar variation 530745 (VCV000530745.19), dbSNP rs1554569035, ClinGen allele CA371662979.